The following is an entry in ClinVar:

ClinVar aggregate classification (germline): Uncertain significance. Review status: criteria provided, multiple submitters, no conflicts (2 of 4 stars). 2 submissions from 2 submitters: Uncertain significance (2). Last evaluated 2024-01-19.

Conditions:
Joubert syndrome. Also called: Familial aplasia of the vermis; CEREBELLOPARENCHYMAL DISORDER IV; JOUBERT-BOLTSHAUSER SYNDROME. Identifiers: Orphanet 475, MedGen C5979921, MONDO:0018772.
Joubert syndrome 3 (JBTS3). Also called: AHI1-related Ciliopathy. Identifiers: Orphanet 220493, MedGen C1837713, MONDO:0012078, OMIM 608629.

Allele frequency attached by ClinVar (database versions not stated): gnomAD exomes 0.00002 and 0.00004; TOPMed 0.00001.
gnomAD v4.1: 12 of 1,606,354 alleles (0.00075%); highest among the groups gnomAD compares: Admixed American, 0.015%; no homozygotes.

Submissions (2):

Labcorp Genetics (formerly Invitae), Labcorp
Classification: Uncertain significance for Joubert syndrome. Last evaluated: 2024-01-19. Review status: criteria provided, single submitter. Criteria: Invitae Variant Classification Sherloc (09022015). Collection method: clinical testing. Allele origin: germline.
Comment: This sequence change replaces proline, which is neutral and non-polar, with serine, which is neutral and polar, at codon 1125 of the AHI1 protein (p.Pro1125Ser). This variant is present in population databases (no rsID available, gnomAD 0.03%). This variant has not been reported in the literature in individuals affected with AHI1-related conditions. ClinVar contains an entry for this variant (Variation ID: 1041763). Advanced modeling of protein sequence and biophysical properties (such as structural, functional, and spatial information, amino acid conservation, physicochemical variation, residue mobility, and thermodynamic stability) performed at Invitae indicates that this missense variant is not expected to disrupt AHI1 protein function with a negative predictive value of 95%. In summary, the available evidence is currently insufficient to determine the role of this variant in disease. Therefore, it has been classified as a Variant of Uncertain Significance.

Fulgent Genetics
Classification: Uncertain significance for Joubert syndrome 3. Last evaluated: 2021-12-19. Review status: criteria provided, single submitter. Criteria: ACMG Guidelines, 2015. Collection method: clinical testing. Allele origin: unknown.

NM_001134831.2(AHI1):c.3373C>T (p.Pro1125Ser)

Gene: AHI1 (Abelson helper integration site 1; minus strand). Cytogenetic location: 6q23.3.
Variant type: single nucleotide variant.
Coding change: c.3373C>T on transcript NM_001134831.2 (MANE Select); coding-DNA position 3373, C replaced by T.
Protein change: p.Pro1125Ser; replaces proline 1125 with serine.
Molecular consequence: missense variant.
Genome position (GRCh38, 1-based): chr6:135,318,572, G>A on the plus strand (C>T on the coding strand, the complement: AHI1 is on the minus strand). VCF-style: chr6-135318572-G-A. GRCh37 (hg19) VCF-style: chr6-135639710-G-A.
Other names: c.3373C>T, p.Pro1125Ser (NM_001134830.2, NM_001350503.2, NM_001350504.2 and 1 more transcripts); short protein forms P1125S.
Identifiers: ClinVar variation 1041763 (VCV001041763.8), dbSNP rs1020870112, ClinGen allele CA148533168.